The following is an entry in ClinVar:

NM_001922.5(DCT):c.757G>A (p.Glu253Lys)

Gene: DCT (dopachrome tautomerase; minus strand). Cytogenetic location: 13q32.1.
Variant type: single nucleotide variant.
Coding change: c.757G>A on transcript NM_001922.5 (MANE Select); coding-DNA position 757, G replaced by A.
Protein change: p.Glu253Lys; replaces glutamic acid 253 with lysine.
Molecular consequence: missense variant. On other transcripts: 5 prime UTR variant (4).
Genome position (GRCh38, 1-based): chr13:94,465,739, C>T on the plus strand (G>A on the coding strand, the complement: DCT is on the minus strand). VCF-style: chr13-94465739-C-T. GRCh37 (hg19) VCF-style: chr13-95117993-C-T.
Other names: c.757G>A, p.Glu253Lys (NM_001129889.3); c.-177G>A (NM_001322182.2, NM_001322183.2, NM_001322184.2 and 1 more transcripts); c.568G>A, p.Glu190Lys (NM_001322186.2); short protein forms E190K, E253K.
Identifiers: ClinVar variation 3043102 (VCV003043102.6), dbSNP rs144365832, ClinGen allele CA7017541.

ClinVar aggregate classification (germline): Likely benign. Review status: criteria provided, single submitter (1 of 4 stars). 2 submissions from 2 submitters: Likely benign (1). 1 of the submissions does not count toward it. Last evaluated 2026-01-01.

Conditions:
DCT-related disorder. Also called: DCT-related condition.

Allele frequency attached by ClinVar (database versions not stated): ESP Exome Variant Server 0.00015; TOPMed 0.00039; gnomAD 0.00041; ExAC 0.00101; 1000 Genomes Project 30x 0.00172; 1000 Genomes Project 0.00180.
gnomAD v4.1: 591 of 1,612,724 alleles (0.037%); highest among the groups gnomAD compares: East Asian, 0.55%; 1 homozygote.

Submissions (2):

CeGaT Center for Human Genetics Tuebingen
Classification: Likely benign. Last evaluated: 2026-01-01. Review status: criteria provided, single submitter. Criteria: CeGaT Center For Human Genetics Tuebingen Variant Classification Criteria Version 2. Collection method: clinical testing. Allele origin: germline. Affected: yes. Observed: 1 variant allele.
Comment: DCT: BS2

PreventionGenetics, part of Exact Sciences
Classification: Likely benign for DCT-related condition. Last evaluated: 2023-10-27. Review status: no assertion criteria provided. Collection method: clinical testing. Allele origin: germline. Not counted in ClinVar's aggregate classification.
Comment: This variant is classified as likely benign based on ACMG/AMP sequence variant interpretation guidelines (Richards et al. 2015 PMID: 25741868, with internal and published modifications).